The following is an entry in ClinVar:

ClinVar aggregate classification (germline): Pathogenic (1 of 4 stars; one submission).

Conditions:
Hereditary cancer-predisposing syndrome. Also called: Neoplastic Syndromes, Hereditary; Tumor predisposition; Hereditary neoplastic syndrome; Hereditary Cancer Syndrome. Identifiers: Orphanet 140162, MedGen C0027672, MeSH D009386, MONDO:0015356.

Submission:

Ambry Genetics
Classification: Pathogenic for Hereditary cancer-predisposing syndrome. Last evaluated: 2023-11-29. Review status: criteria provided, single submitter. Criteria: Ambry Variant Classification Scheme 2023. Collection method: clinical testing. Allele origin: germline.
Comment: The c.9575_9576dupCC pathogenic mutation, located in coding exon 25 of the BRCA2 gene, results from a duplication of CC at nucleotide positions 9575 to 9576, causing a translational frameshift with a predicted alternate stop codon (p.T3193Pfs*25). This alteration occurs at the 3' terminus of theBRCA2 gene, is not expected to trigger nonsense-mediated mRNA decay, and only impacts the last 6.6% of the protein. However, premature stop codons are typically deleterious in nature and a significant portion of the protein is affected (Ambry internal data). This variant is considered to be rare based on population cohorts in the Genome Aggregation Database (gnomAD). Based on the supporting evidence, this alteration is interpreted as a disease-causing mutation.

NM_000059.4(BRCA2):c.9575_9576dup (p.Thr3193fs)

Gene: BRCA2 (BRCA2 DNA repair associated; plus strand). Cytogenetic location: 13q13.1.
Variant type: Duplication.
Coding change: c.9575_9576dup on transcript NM_000059.4 (MANE Select); coding-DNA positions 9575 to 9576, 2 bases duplicated (CC; older notation c.9575_9576dupCC).
Protein change: p.Thr3193fs; shifts the reading frame from threonine 3193.
Molecular consequence: frameshift variant. On other transcripts: non-coding transcript variant (1).
Genome position (GRCh38, 1-based): chr13:32,396,971-32,396,972, CC duplicated. VCF-style (leftmost placement, unchanged base first): chr13-32396970-T-TCC. GRCh37 (hg19) VCF-style: chr13-32971107-T-TCC.
Other names: c.9479_9480dup, p.Thr3161fs (NM_001406719.1); c.9524_9525dup, p.Thr3176fs (NM_001406720.1); c.4643_4644dup, p.Thr1549fs (NM_001406721.1); c.3158_3159dup, p.Thr1054fs (NM_001406722.1); c.9575_9576dupCC (NM_000059.3); short protein forms T1054fs, T1549fs, T3161fs, T3176fs, T3193fs.
Identifiers: ClinVar variation 3230215 (VCV003230215.1), dbSNP rs2548563744, ClinGen allele CA2825002168.